The following is an entry in ClinVar:

NM_001849.4(COL6A2):c.2462-2454C>T

Gene: COL6A2 (collagen type VI alpha 2 chain; plus strand). Cytogenetic location: 21q22.3.
Variant type: single nucleotide variant.
Coding change: c.2462-2454C>T on transcript NM_001849.4 (MANE Select); 2454 bases into the intron before coding-DNA position 2462, C replaced by T.
Molecular consequence: intron variant. On other transcripts: 3 prime UTR variant (2).
Genome position (GRCh38, 1-based): chr21:46,129,500, C>T. VCF-style: chr21-46129500-C-T. GRCh37 (hg19) VCF-style: chr21-47549414-C-T.
Other names: c.*9C>T (NM_058174.3); c.*572C>T (NM_058175.3).
Identifiers: ClinVar variation 2632835 (VCV002632835.2), dbSNP rs1027155741, ClinGen allele CA10072855.
Genomic context (GRCh38, chr21:46,129,500, plus strand): 5'-GGTGCACAGGGACATCGTGGGGGACCCCGAGACCGCGCTGGCCCTCTGCTAAAGCCCGGG[C>T]ACCCGCCCAGCCGGGCTGGGCCCTCCCTGCCACACTAGCTTCCCAGGGCTGCCCCCGACA-3'

ClinVar aggregate classification (germline): Uncertain significance (0 of 4 stars; one submission).

Conditions:
COL6A2-related disorder.

Allele frequency attached by ClinVar (database versions not stated): gnomAD exomes below 0.00001; TOPMed 0.00001; ExAC 0.00002.
gnomAD v4.1: 5 of 1,556,890 alleles (0.00032%); highest among the groups gnomAD compares: African/African-American, 0.0027%; no homozygotes.

Submission:

PreventionGenetics, part of Exact Sciences
Classification: Uncertain significance for COL6A2-related condition. Last evaluated: 2024-05-03. Review status: no assertion criteria provided. Collection method: clinical testing. Allele origin: germline.
Comment: The COL6A2 c.2462-2454C>T variant is predicted to interfere with splicing. To our knowledge, this variant has not been reported in the literature. This variant is reported in 0.023% of alleles in individuals of African descent in gnomAD. However, the use of computer prediction programs is not equivalent to functional evidence, and therefore the clinical significance of this variant is uncertain.